The following is an entry in ClinVar:

ClinVar aggregate classification (germline): Uncertain significance (1 of 4 stars; one submission).

Submission:

Ambry Genetics
Classification: Uncertain significance. Last evaluated: 2024-07-24. Review status: criteria provided, single submitter. Criteria: Ambry Variant Classification Scheme 2023. Collection method: clinical testing. Allele origin: germline.
Comment: The c.430-3T>C intronic variant results from a T to C substitution 3 nucleotides upstream from coding exon 5 in the KIF1B gene. This nucleotide position is not well conserved in available vertebrate species. In silico splice site analysis predicts that this alteration will not have any significant effect on splicing. The evidence for this gene-disease relationship is limited; therefore, the clinical significance of this alteration is unclear.

NM_001365951.3(KIF1B):c.430-3T>C

Gene: KIF1B (kinesin family member 1B; plus strand). Cytogenetic location: 1p36.22.
Variant type: single nucleotide variant.
Coding change: c.430-3T>C on transcript NM_001365951.3 (MANE Select); 3 bases into the intron before coding-DNA position 430, T replaced by C.
Molecular consequence: intron variant.
Genome position (GRCh38, 1-based): chr1:10,267,377, T>C. VCF-style: chr1-10267377-T-C. GRCh37 (hg19) VCF-style: chr1-10327435-T-C.
Other names: c.430-3T>C (NM_183416.4, NM_015074.3, NM_001365952.1 and 1 more transcripts).
Identifiers: ClinVar variation 3533924 (VCV003533924.1).
Genomic context (GRCh38, chr1:10,267,377, plus strand): 5'-CGCGCCCGGCTTCTGTATGTGATTTCTTTTTCACTCTAATTCACTTTACTAATTTGTTCA[T>C]AGGTGAGCTACATGGAAATTTACTGTGAAAGAGTACGAGATTTGCTGAATCCAAAAAACA-3'